The following is an entry in ClinVar:

ClinVar aggregate classification (germline): Pathogenic (1 of 4 stars; one submission).

Conditions:
Duchenne muscular dystrophy (DMD). Also called: MUSCULAR DYSTROPHY, PSEUDOHYPERTROPHIC PROGRESSIVE, DUCHENNE TYPE; Duchenne Muscular Dystrophy (DMD). Identifiers: Orphanet 98896, MedGen C0013264, MONDO:0010679, OMIM 310200.

Submission:

Labcorp Genetics (formerly Invitae), Labcorp
Classification: Pathogenic for Duchenne muscular dystrophy. Last evaluated: 2019-05-25. Review status: criteria provided, single submitter. Criteria: Invitae Variant Classification Sherloc (09022015). Collection method: clinical testing. Allele origin: germline.
Comment: This sequence change creates a premature translational stop signal (p.Glu1620*) in the DMD gene. It is expected to result in an absent or disrupted protein product. For these reasons, this variant has been classified as Pathogenic. Loss-of-function variants in DMD are known to be pathogenic (PMID: 16770791, 25007885). This variant has been observed in an individual affected with Duchenne or Becker muscular dystrophy (PMID: 27122458). ClinVar contains an entry for this variant (Variation ID: 409919). This variant is not present in population databases (ExAC no frequency).

Literature cited by the submitters: PubMed 16770791; PubMed 25007885; PubMed 27122458.

NM_004006.3(DMD):c.4858G>T (p.Glu1620Ter)

Gene: DMD (dystrophin; minus strand). Cytogenetic location: Xp21.1.
Variant type: single nucleotide variant.
Coding change: c.4858G>T on transcript NM_004006.3 (MANE Select); coding-DNA position 4858, G replaced by T.
Protein change: p.Glu1620Ter; replaces glutamic acid 1620 with a stop codon.
Molecular consequence: nonsense.
Genome position (GRCh38, 1-based): chrX:32,365,187, C>A on the plus strand (G>T on the coding strand, the complement: DMD is on the minus strand). VCF-style: chrX-32365187-C-A. GRCh37 (hg19) VCF-style: chrX-32383304-C-A.
Other names: c.4834G>T, p.Glu1612Ter (NM_000109.4); c.4846G>T, p.Glu1616Ter (NM_004009.3); c.4489G>T, p.Glu1497Ter (NM_004010.3); c.835G>T, p.Glu279Ter (NM_004011.4); c.826G>T, p.Glu276Ter (NM_004012.4); short protein forms E1620*, E1497*, E279*, E1616*, E276*, E1612*.
Identifiers: ClinVar variation 409919 (VCV000409919.12), dbSNP rs1060502645, ClinGen allele CA16616490.